The following is an entry in ClinVar:

ClinVar aggregate classification (germline): Conflicting classifications of pathogenicity. Review status: criteria provided, conflicting classifications (1 of 4 stars). 2 submissions from 2 submitters: Likely pathogenic (1); Uncertain significance (1). Last evaluated 2025-02-04.

Conditions:
AR-related disorders.
Androgen resistance syndrome (AIS). Also called: ANDROGEN RECEPTOR DEFICIENCY; DHTR DEFICIENCY; DIHYDROTESTOSTERONE RECEPTOR DEFICIENCY; TESTICULAR FEMINIZATION SYNDROME; Androgen insensitivity syndrome; Androgen insensitivity, complete. Identifiers: Orphanet 754, Orphanet 99429, MedGen C0039585, MONDO:0019154, OMIM 300068. Disease mechanism: loss of function.
Kennedy disease (SMAX1). Also called: SPINAL AND BULBAR MUSCULAR ATROPHY, X-LINKED 1; KENNEDY SPINAL AND BULBAR MUSCULAR ATROPHY; Spinal and Bulbar Muscular Atrophy. Identifiers: Orphanet 481, MedGen C1839259, MONDO:0010735, OMIM 313200.

Submissions (2):

Labcorp Genetics (formerly Invitae), Labcorp
Classification: Uncertain significance for Kennedy disease; Androgen resistance syndrome. Last evaluated: 2025-02-04. Review status: criteria provided, single submitter. Criteria: Invitae Variant Classification Sherloc (09022015). Collection method: clinical testing. Allele origin: germline.
Comment: This sequence change replaces asparagine, which is neutral and polar, with isoleucine, which is neutral and non-polar, at codon 611 of the AR protein (p.Asn611Ile). This variant is not present in population databases (gnomAD no frequency). This variant has not been reported in the literature in individuals affected with AR-related conditions. Invitae Evidence Modeling of protein sequence and biophysical properties (such as structural, functional, and spatial information, amino acid conservation, physicochemical variation, residue mobility, and thermodynamic stability) indicates that this missense variant is expected to disrupt AR protein function with a positive predictive value of 95%. In summary, the available evidence is currently insufficient to determine the role of this variant in disease. Therefore, it has been classified as a Variant of Uncertain Significance.

Blueprint Genetics
Classification: Likely pathogenic for AR-related disorders. Last evaluated: 2023-11-14. Review status: criteria provided, single submitter. Criteria: ACMG Guidelines, 2015. Collection method: clinical testing. Allele origin: germline. Affected: yes. Observed: 3 variant alleles.

NM_000044.6(AR):c.1832A>T (p.Asn611Ile)

Gene: AR (androgen receptor; plus strand). Cytogenetic location: Xq12.
Variant type: single nucleotide variant.
Coding change: c.1832A>T on transcript NM_000044.6 (MANE Select); coding-DNA position 1832, A replaced by T.
Protein change: p.Asn611Ile; replaces asparagine 611 with isoleucine.
Molecular consequence: missense variant. On other transcripts: 3 prime UTR variant (1).
Genome position (GRCh38, 1-based): chrX:67,686,073, A>T. VCF-style: chrX-67686073-A-T. GRCh37 (hg19) VCF-style: chrX-66905915-A-T.
Other names: c.236A>T, p.Asn79Ile (NM_001011645.3); c.1832A>T, p.Asn611Ile (NM_001348061.1, NM_001348063.1); c.*30A>T (NM_001348064.1); short protein forms N611I, N79I.
Identifiers: ClinVar variation 4783658 (VCV004783658.2).
Genomic context (GRCh38, chrX:67,686,073, plus strand): 5'-AACAGAAGTACCTGTGCGCCAGCAGAAATGATTGCACTATTGATAAATTCCGAAGGAAAA[A>T]TTGTCCATCTTGTCGTCTTCGGAAATGTTATGAAGCAGGGATGACTCTGGGAGGTAAGAT-3'
Protein context (NP_000035.2, residues 601-621): DCTIDKFRRK[Asn611Ile]CPSCRLRKCY